The following is an entry in ClinVar:

NM_000214.3(JAG1):c.323A>T (p.Asn108Ile)

Gene: JAG1 (jagged canonical Notch ligand 1; minus strand). Cytogenetic location: 20p12.2.
Variant type: single nucleotide variant.
Coding change: c.323A>T on transcript NM_000214.3 (MANE Select); coding-DNA position 323, A replaced by T.
Protein change: p.Asn108Ile; replaces asparagine 108 with isoleucine.
Molecular consequence: missense variant.
Genome position (GRCh38, 1-based): chr20:10,672,765, T>A on the plus strand (A>T on the coding strand, the complement: JAG1 is on the minus strand). VCF-style: chr20-10672765-T-A. GRCh37 (hg19) VCF-style: chr20-10653413-T-A.
Other names: short protein forms N108I.
Identifiers: ClinVar variation 988259 (VCV000988259.12), dbSNP rs2067505956, ClinGen allele CA408242636.

ClinVar aggregate classification (germline): Uncertain significance. Review status: criteria provided, multiple submitters, no conflicts (2 of 4 stars). 6 submissions from 6 submitters: Uncertain significance (5). 1 of the submissions does not count toward it. Last evaluated 2026-02-13.

Conditions:
Congenital anomaly of kidney and urinary tract. Also called: Congenital anomalies of kidney and urinary tract; Congenital anomalies of the kidney and urinary tract. Identifiers: Orphanet 93545, MedGen C1968949, MeSH C566906, MONDO:0019719.
Charcot-Marie-Tooth disease, axonal, Type 2HH. Also called: CHARCOT-MARIE-TOOTH NEUROPATHY, TYPE 2HH. Identifiers: MedGen C5562003, MONDO:0030458, OMIM 619574.
Alagille syndrome due to a JAG1 point mutation. Also called: Alagille Syndrome 1; HEPATIC DUCTULAR HYPOPLASIA, SYNDROMATIC; JAG1-Related Alagille Syndrome. Identifiers: Orphanet 261619, Orphanet 52, MedGen C1956125, MONDO:0016862, OMIM 118450.
Deafness, congenital heart defects, and posterior embryotoxon (DCHE). Identifiers: MedGen C1866053, MONDO:0060713, OMIM 617992.
Tetralogy of Fallot (TOF). Identifiers: Orphanet 3303, MedGen C0039685, MONDO:0008542, OMIM 187500, HP:0001636.
Cardiovascular phenotype. Identifiers: MedGen CN230736.
JAG1-related disorder. Also called: JAG1-related disorders; JAG1-related condition.

Allele frequency attached by ClinVar (database versions not stated): gnomAD exomes 0.00001.
gnomAD v4.1: 8 of 1,612,988 alleles (0.0005%); highest among the groups gnomAD compares: Middle Eastern, 0.066%; no homozygotes.

Submissions (6):

PreventionGenetics, part of Exact Sciences
Classification: Uncertain significance for JAG1-related condition. Last evaluated: 2026-02-13. Review status: criteria provided, single submitter. Criteria: ACMG Guidelines, 2015. Collection method: clinical testing. Allele origin: germline.
Comment: The JAG1 c.323A>T variant is predicted to result in the amino acid substitution p.Asn108Ile. This variant has been previously reported in the heterozygous state in two affected siblings with normosmic hypogonadotropic hypogonadism (Table 2A, Quaynor et al. 2016. PubMed ID: 27502037). This variant has not been reported in a large population database, indicating this variant is rare. Statistical evidence in gnomAD suggests the JA gene is intolerant of missense variation. At this time, the clinical significance of this variant is uncertain due to the absence of conclusive functional and genetic evidence.

Ambry Genetics
Classification: Uncertain significance for Cardiovascular phenotype. Last evaluated: 2025-10-07. Review status: criteria provided, single submitter. Criteria: Ambry Variant Classification Scheme 2023. Collection method: clinical testing. Allele origin: germline.
Comment: The p.N108I variant (also known as c.323A>T), located in coding exon 2 of the JAG1 gene, results from an A to T substitution at nucleotide position 323. The asparagine at codon 108 is replaced by isoleucine, an amino acid with dissimilar properties. This variant was reported in individual(s) with features consistent with normosmic hypogonadotropic hypogonadism (Quaynor SD et al. Mol Cell Endocrinol, 2016 Dec;437:86-96). This amino acid position is not well conserved in available vertebrate species. In addition, the in silico prediction for this alteration is inconclusive. Based on the available evidence, the clinical significance of this variant remains unclear.

Labcorp Genetics (formerly Invitae), Labcorp
Classification: Uncertain significance for Alagille syndrome due to a JAG1 point mutation. Last evaluated: 2024-10-25. Review status: criteria provided, single submitter. Criteria: Invitae Variant Classification Sherloc (09022015). Collection method: clinical testing. Allele origin: germline.
Comment: This sequence change replaces asparagine, which is neutral and polar, with isoleucine, which is neutral and non-polar, at codon 108 of the JAG1 protein (p.Asn108Ile). This variant is not present in population databases (gnomAD no frequency). This variant has not been reported in the literature in individuals affected with JAG1-related conditions. ClinVar contains an entry for this variant (Variation ID: 988259). Invitae Evidence Modeling of protein sequence and biophysical properties (such as structural, functional, and spatial information, amino acid conservation, physicochemical variation, residue mobility, and thermodynamic stability) indicates that this missense variant is not expected to disrupt JAG1 protein function with a negative predictive value of 95%. In summary, the available evidence is currently insufficient to determine the role of this variant in disease. Therefore, it has been classified as a Variant of Uncertain Significance.

Fulgent Genetics
Classification: Uncertain significance for Alagille syndrome due to a JAG1 point mutation; Tetralogy of Fallot; Deafness, congenital heart defects, and posterior embryotoxon; Charcot-Marie-Tooth disease, axonal, Type 2HH. Last evaluated: 2022-04-16. Review status: criteria provided, single submitter. Criteria: ACMG Guidelines, 2015. Collection method: clinical testing. Allele origin: unknown.

Blueprint Genetics
Classification: Uncertain significance. Last evaluated: 2020-12-10. Review status: criteria provided, single submitter. Criteria: ACMG Guidelines, 2015. Collection method: clinical testing. Allele origin: germline.

Sydney Genome Diagnostics, Children's Hospital Westmead
Classification: Uncertain significance for Congenital anomaly of kidney and urinary tract. Last evaluated: 2020-01-20. Review status: no assertion criteria provided. Collection method: clinical testing. Allele origin: unknown. Affected: yes. Observed: 1 variant allele, 1 heterozygote. Not counted in ClinVar's aggregate classification.
Comment: The variant has not been reported in any population databases (i.e. gnomAD, ExAC, ESP or dbSNP). To our knowledge, this variant has not been previously reported in the literature or any disease specific databases. In silico analysis of pathogenicity (through Alamut Visual v2.13) is inconclusive regarding this change; PolyPhen2 and MutationTaster predicts it to be likely pathogenic whereas SIFT predicts this variant to be benign. This variant is considered to be a variant of uncertain clinical significance (VOUS) according to the ACMG guidelines (Evidence used: PM2).

Literature cited by the submitters: PubMed 27502037 (cited by Ambry Genetics).